The following is an entry in ClinVar:

ClinVar aggregate classification (germline): Uncertain significance (1 of 4 stars; one submission).

Conditions:
Familial melanoma. Also called: Hereditary melanoma; Hereditary cutaneous melanoma. Identifiers: Orphanet 618, MedGen C1512419, MONDO:0018961.

Submission:

Labcorp Genetics (formerly Invitae), Labcorp
Classification: Uncertain significance for Familial melanoma. Last evaluated: 2025-12-17. Review status: criteria provided, single submitter. Criteria: Invitae Variant Classification Sherloc (09022015). Collection method: clinical testing. Allele origin: germline.
Comment: This sequence change replaces glycine, which is neutral and non-polar, with arginine, which is basic and polar, at codon 247 of the CDK4 protein (p.Gly247Arg). This variant is not present in population databases (gnomAD no frequency). This variant has not been reported in the literature in individuals affected with CDK4-related conditions. Invitae Evidence Modeling of protein sequence and biophysical properties (such as structural, functional, and spatial information, amino acid conservation, physicochemical variation, residue mobility, and thermodynamic stability) indicates that this missense variant is not expected to disrupt CDK4 protein function with a negative predictive value of 95%. In summary, the available evidence is currently insufficient to determine the role of this variant in disease. Therefore, it has been classified as a Variant of Uncertain Significance.

NM_000075.4(CDK4):c.739G>C (p.Gly247Arg)

Genes: CDK4 (cyclin dependent kinase 4; minus strand), TSPAN31 (tetraspanin 31; plus strand). Cytogenetic location: 12q14.1.
Variant type: single nucleotide variant.
Coding change: c.739G>C on transcript NM_000075.4 (MANE Select); coding-DNA position 739, G replaced by C.
Protein change: p.Gly247Arg; replaces glycine 247 with arginine.
Molecular consequence: missense variant. On other transcripts: 3 prime UTR variant (3).
Genome position (GRCh38, 1-based): chr12:57,749,262, C>G on the plus strand (G>C on the coding strand, the complement: CDK4 is on the minus strand). VCF-style: chr12-57749262-C-G. GRCh37 (hg19) VCF-style: chr12-58143045-C-G.
Other names: c.*1972C>G (NM_001330168.2, NM_001330169.2, NM_005981.5); short protein forms G247R.
Identifiers: ClinVar variation 4803055 (VCV004803055.1).